The following is an entry in ClinVar:

NM_024675.4(PALB2):c.2491C>A (p.Leu831Met)

Gene: PALB2 (partner and localizer of BRCA2; minus strand). Cytogenetic location: 16p12.2.
Variant type: single nucleotide variant.
Coding change: c.2491C>A on transcript NM_024675.4 (MANE Select); coding-DNA position 2491, C replaced by A.
Protein change: p.Leu831Met; replaces leucine 831 with methionine.
Molecular consequence: missense variant.
Genome position (GRCh38, 1-based): chr16:23,629,663, G>T on the plus strand (C>A on the coding strand, the complement: PALB2 is on the minus strand). VCF-style: chr16-23629663-G-T. GRCh37 (hg19) VCF-style: chr16-23640984-G-T.
Other names: short protein forms L831M.
Identifiers: ClinVar variation 1407023 (VCV001407023.9), dbSNP rs2142371841, ClinGen allele CA395123999.

ClinVar aggregate classification (germline): Uncertain significance (1 of 4 stars; one submission).

Conditions:
Familial cancer of breast. Also called: hereditary breast carcinoma; BREAST CANCER, FAMILIAL; Hereditary breast cancer. Identifiers: Orphanet 227535, MedGen C0346153, MONDO:0016419, OMIM 114480. Disease mechanism: loss of function.

Submission:

Labcorp Genetics (formerly Invitae), Labcorp
Classification: Uncertain significance for Familial cancer of breast. Last evaluated: 2021-07-24. Review status: criteria provided, single submitter. Criteria: Invitae Variant Classification Sherloc (09022015). Collection method: clinical testing. Allele origin: germline.
Comment: In summary, the available evidence is currently insufficient to determine the role of this variant in disease. Therefore, it has been classified as a Variant of Uncertain Significance. Algorithms developed to predict the effect of missense changes on protein structure and function are either unavailable or do not agree on the potential impact of this missense change (SIFT: "Tolerated"; PolyPhen-2: "Probably Damaging"; Align-GVGD: "Class C0"). This variant has not been reported in the literature in individuals affected with PALB2-related conditions. This variant is not present in population databases (ExAC no frequency). This sequence change replaces leucine with methionine at codon 831 of the PALB2 protein (p.Leu831Met). The leucine residue is moderately conserved and there is a small physicochemical difference between leucine and methionine.